The following is an entry in ClinVar:

NM_001374828.1(ARID1B):c.2248-13479G>A

Gene: ARID1B (AT-rich interaction domain 1B; plus strand). Cytogenetic location: 6q25.3.
Variant type: single nucleotide variant.
Coding change: c.2248-13479G>A on transcript NM_001374828.1 (MANE Select); 13479 bases into the intron before coding-DNA position 2248, G replaced by A.
Molecular consequence: intron variant.
Genome position (GRCh38, 1-based): chr6:157,071,183, G>A. VCF-style: chr6-157071183-G-A. GRCh37 (hg19) VCF-style: chr6-157392317-G-A.
Other names: c.2287-13479G>A (NM_001371656.1, NM_001374820.1); c.2248-13479G>A (NM_017519.3); c.-252-13479G>A (NM_001363725.2).
Identifiers: ClinVar variation 2657060 (VCV002657060.24), dbSNP rs572495457, ClinGen allele CA150837068.

ClinVar aggregate classification (germline): Benign (1 of 4 stars; one submission).

Allele frequency attached by ClinVar (database versions not stated): TOPMed 0.00002; gnomAD 0.00005; 1000 Genomes Project 30x 0.00016; 1000 Genomes Project 0.00020.

Submission:

CeGaT Center for Human Genetics Tuebingen
Classification: Benign. Last evaluated: 2022-09-01. Review status: criteria provided, single submitter. Criteria: CeGaT Center For Human Genetics Tuebingen Variant Classification Criteria Version 2. Collection method: clinical testing. Allele origin: germline. Affected: yes. Observed: 2 variant alleles.
Comment: ARID1B: BS1, BS2